The following is an entry in ClinVar:

NM_174936.4(PCSK9):c.1106T>C (p.Ile369Thr)

Gene: PCSK9 (proprotein convertase subtilisin/kexin type 9; plus strand). Cytogenetic location: 1p32.3.
Variant type: single nucleotide variant.
Coding change: c.1106T>C on transcript NM_174936.4 (MANE Select); coding-DNA position 1106, T replaced by C.
Protein change: p.Ile369Thr; replaces isoleucine 369 with threonine.
Molecular consequence: missense variant. On other transcripts: non-coding transcript variant (8).
Genome position (GRCh38, 1-based): chr1:55,057,440, T>C. VCF-style: chr1-55057440-T-C. GRCh37 (hg19) VCF-style: chr1-55523113-T-C.
Other names: c.1229T>C, p.Ile410Thr (NM_001407240.1); c.1106T>C, p.Ile369Thr (NM_001407241.1, NM_001407244.1, NM_001407247.1); c.1109T>C, p.Ile370Thr (NM_001407242.1); c.1049T>C, p.Ile350Thr (NM_001407243.1); c.914T>C, p.Ile305Thr (NM_001407245.1); c.731T>C, p.Ile244Thr (NM_001407246.1); short protein forms I305T, I350T, I369T, I370T, I410T, I244T.
Identifiers: ClinVar variation 3415986 (VCV003415986.1).
Genomic context (GRCh38, chr1:55,057,440, plus strand): 5'-GGACTTTGGGGACCAACTTTGGCCGCTGTGTGGACCTCTTTGCCCCAGGGGAGGACATCA[T>C]TGGTGCCTCCAGCGACTGCAGCACCTGCTTTGTGTCACAGAGTGGGACATCACAGGCTGC-3'
Protein context (NP_777596.2, residues 359-379): VDLFAPGEDI[Ile369Thr]GASSDCSTCF

ClinVar aggregate classification (germline): Uncertain significance (1 of 4 stars; one submission).

Conditions:
Cardiovascular phenotype. Identifiers: MedGen CN230736.

gnomAD v4.1: 1 of 1,613,998 alleles (0.000062%); highest among the groups gnomAD compares: Non-Finnish European, 0.000085%; no homozygotes.

Submission:

Ambry Genetics
Classification: Uncertain significance for Cardiovascular phenotype. Last evaluated: 2024-08-23. Review status: criteria provided, single submitter. Criteria: Ambry Variant Classification Scheme 2023. Collection method: clinical testing. Allele origin: germline.
Comment: The p.I369T variant (also known as c.1106T>C), located in coding exon 7 of the PCSK9 gene, results from a T to C substitution at nucleotide position 1106. The isoleucine at codon 369 is replaced by threonine, an amino acid with similar properties. This amino acid position is conserved. In addition, the in silico prediction for this alteration is inconclusive. Based on the available evidence, the clinical significance of this variant remains unclear.